The following is an entry in ClinVar:

NM_001035.3(RYR2):c.3583T>A (p.Phe1195Ile)

Gene: RYR2 (ryanodine receptor 2; plus strand). Cytogenetic location: 1q43.
Variant type: single nucleotide variant.
Coding change: c.3583T>A on transcript NM_001035.3 (MANE Select); coding-DNA position 3583, T replaced by A.
Protein change: p.Phe1195Ile; replaces phenylalanine 1195 with isoleucine.
Molecular consequence: missense variant.
Genome position (GRCh38, 1-based): chr1:237,569,304, T>A. VCF-style: chr1-237569304-T-A. GRCh37 (hg19) VCF-style: chr1-237732604-T-A.
Other names: short protein forms F1195I.
Identifiers: ClinVar variation 3633790 (VCV003633790.2).

ClinVar aggregate classification (germline): Uncertain significance (1 of 4 stars; one submission).

Conditions:
Catecholaminergic polymorphic ventricular tachycardia 1. Also called: VENTRICULAR TACHYCARDIA, CATECHOLAMINERGIC POLYMORPHIC, 1, WITH OR WITHOUT ATRIAL DYSFUNCTION AND/OR DILATED CARDIOMYOPATHY; RYR2-Related Catecholaminergic Polymorphic Ventricular Tachycardia; VENTRICULAR TACHYCARDIA, STRESS-INDUCED POLYMORPHIC 1. Identifiers: Orphanet 3286, MedGen C1631597, MONDO:0011484, OMIM 604772.

Submission:

Labcorp Genetics (formerly Invitae), Labcorp
Classification: Uncertain significance for Catecholaminergic polymorphic ventricular tachycardia 1. Last evaluated: 2025-02-02. Review status: criteria provided, single submitter. Criteria: Invitae Variant Classification Sherloc (09022015). Collection method: clinical testing. Allele origin: germline.
Comment: This sequence change replaces phenylalanine, which is neutral and non-polar, with isoleucine, which is neutral and non-polar, at codon 1195 of the RYR2 protein (p.Phe1195Ile). This variant is not present in population databases (gnomAD no frequency). This variant has not been reported in the literature in individuals affected with RYR2-related conditions. Invitae Evidence Modeling of protein sequence and biophysical properties (such as structural, functional, and spatial information, amino acid conservation, physicochemical variation, residue mobility, and thermodynamic stability) indicates that this missense variant is not expected to disrupt RYR2 protein function with a negative predictive value of 95%. In summary, the available evidence is currently insufficient to determine the role of this variant in disease. Therefore, it has been classified as a Variant of Uncertain Significance.